The following is an entry in ClinVar:

NM_001429.4(EP300):c.151A>G (p.Thr51Ala)

Gene: EP300 (EP300 lysine acetyltransferase; plus strand). Cytogenetic location: 22q13.2.
Variant type: single nucleotide variant.
Coding change: c.151A>G on transcript NM_001429.4 (MANE Select); coding-DNA position 151, A replaced by G.
Protein change: p.Thr51Ala; replaces threonine 51 with alanine.
Molecular consequence: missense variant.
Genome position (GRCh38, 1-based): chr22:41,117,243, A>G. VCF-style: chr22-41117243-A-G. GRCh37 (hg19) VCF-style: chr22-41513247-A-G.
Other names: c.151A>G, p.Thr51Ala (NM_001362843.2); short protein forms T51A.
Identifiers: ClinVar variation 2791501 (VCV002791501.3), dbSNP rs2058826373, ClinGen allele CA411679711.

ClinVar aggregate classification (germline): Uncertain significance (1 of 4 stars; one submission).

Conditions:
Rubinstein-Taybi syndrome due to EP300 haploinsufficiency. Also called: EP300-Related Rubinstein-Taybi Syndrome; RUBINSTEIN-TAYBI SYNDROME 2. Identifiers: Orphanet 353284, Orphanet 783, MedGen C3150941, MONDO:0013364, OMIM 613684.

Allele frequency attached by ClinVar (database versions not stated): gnomAD exomes 0.00001; TOPMed 0.00001.
gnomAD v4.1: 21 of 1,614,206 alleles (0.0013%); highest among the groups gnomAD compares: Middle Eastern, 0.016%; no homozygotes.

Submission:

Labcorp Genetics (formerly Invitae), Labcorp
Classification: Uncertain significance for Rubinstein-Taybi syndrome due to EP300 haploinsufficiency. Last evaluated: 2024-02-06. Review status: criteria provided, single submitter. Criteria: Invitae Variant Classification Sherloc (09022015). Collection method: clinical testing. Allele origin: germline.
Comment: This sequence change replaces threonine, which is neutral and polar, with alanine, which is neutral and non-polar, at codon 51 of the EP300 protein (p.Thr51Ala). This variant is not present in population databases (gnomAD no frequency). This variant has not been reported in the literature in individuals affected with EP300-related conditions. Advanced modeling of protein sequence and biophysical properties (such as structural, functional, and spatial information, amino acid conservation, physicochemical variation, residue mobility, and thermodynamic stability) performed at Invitae indicates that this missense variant is not expected to disrupt EP300 protein function with a negative predictive value of 95%. In summary, the available evidence is currently insufficient to determine the role of this variant in disease. Therefore, it has been classified as a Variant of Uncertain Significance.